The following is an entry in ClinVar:

NM_002471.4(MYH6):c.3550A>G (p.Thr1184Ala)

Gene: MYH6 (myosin heavy chain 6; minus strand). Cytogenetic location: 14q11.2.
Variant type: single nucleotide variant.
Coding change: c.3550A>G on transcript NM_002471.4 (MANE Select); coding-DNA position 3550, A replaced by G.
Protein change: p.Thr1184Ala; replaces threonine 1184 with alanine.
Molecular consequence: missense variant.
Genome position (GRCh38, 1-based): chr14:23,390,239, T>C on the plus strand (A>G on the coding strand, the complement: MYH6 is on the minus strand). VCF-style: chr14-23390239-T-C. GRCh37 (hg19) VCF-style: chr14-23859448-T-C.
Other names: short protein forms T1184A.
Identifiers: ClinVar variation 2801831 (VCV002801831.3), dbSNP rs2502159733, ClinGen allele CA389006019.
Genomic context (GRCh38, chr14:23,390,239, plus strand): 5'-CGGCCACGCTGTCGGCGTGCTTCTTGCGCAGGGCCGCGGCAGTGGCCTCGTGCTGCAGCG[T>C]GGCCTCCTCCAGGTCCCGCCGCATCTTCTGGAACTCGGCCTCGCGCTTCTTGTTCATCTC-3'
Protein context (NP_002462.2, residues 1174-1194): QKMRRDLEEA[Thr1184Ala]LQHEATAAAL

ClinVar aggregate classification (germline): Uncertain significance (1 of 4 stars; one submission).

Conditions:
Hypertrophic cardiomyopathy 14. Identifiers: MedGen C2750467, MONDO:0013197, OMIM 613251.

Submission:

Labcorp Genetics (formerly Invitae), Labcorp
Classification: Uncertain significance for Hypertrophic cardiomyopathy 14. Last evaluated: 2024-05-07. Review status: criteria provided, single submitter. Criteria: Invitae Variant Classification Sherloc (09022015). Collection method: clinical testing. Allele origin: germline.
Comment: This sequence change replaces threonine, which is neutral and polar, with alanine, which is neutral and non-polar, at codon 1184 of the MYH6 protein (p.Thr1184Ala). This variant is not present in population databases (gnomAD no frequency). This variant has not been reported in the literature in individuals affected with MYH6-related conditions. An algorithm developed to predict the effect of missense changes on protein structure and function (PolyPhen-2) suggests that this variant is likely to be tolerated. In summary, the available evidence is currently insufficient to determine the role of this variant in disease. Therefore, it has been classified as a Variant of Uncertain Significance.